The following is an entry in ClinVar:

ClinVar aggregate classification (germline): Likely benign. Review status: criteria provided, multiple submitters, no conflicts (2 of 4 stars). 4 submissions from 4 submitters: Likely benign (3). 1 of the submissions does not count toward it. Last evaluated 2025-05-27.

Conditions:
Hereditary breast ovarian cancer syndrome. Also called: Hereditary breast and ovarian cancer syndrome (HBOC); BRCA1- and BRCA2-Associated Hereditary Breast and Ovarian Cancer; Hereditary breast and/or ovarian cancer syndrome; Hereditary breast and ovarian cancer syndrome; Hereditary breast and ovarian cancer; Breast and ovarian cancer. Identifiers: Orphanet 145, MedGen C0677776, MeSH D061325, MONDO:0003582. Disease mechanism: loss of function.
Malignant tumor of breast. Also called: Malignant breast neoplasm; Cancer breast. Identifiers: MedGen C0006142, MONDO:0007254. Disease mechanism: loss of function.
Hereditary cancer-predisposing syndrome. Also called: Neoplastic Syndromes, Hereditary; Hereditary neoplastic syndrome; Tumor predisposition; Hereditary Cancer Syndrome. Identifiers: Orphanet 140162, MedGen C0027672, MeSH D009386, MONDO:0015356.

Allele frequency attached by ClinVar (database versions not stated): TOPMed 0.00001.
gnomAD v4.1: 1 of 1,613,918 alleles (0.000062%); highest among the groups gnomAD compares: African/African-American, 0.0013%; no homozygotes.

Submissions (5):

Color Diagnostics, LLC DBA Color Health
Classification: Likely benign for Hereditary cancer-predisposing syndrome. Last evaluated: 2025-05-27. Review status: criteria provided, single submitter. Criteria: ACMG Guidelines, 2015. Collection method: clinical testing. Allele origin: germline.

Labcorp Genetics (formerly Invitae), Labcorp
Classification: Likely benign for Hereditary breast ovarian cancer syndrome. Last evaluated: 2024-02-17. Review status: criteria provided, single submitter. Criteria: Invitae Variant Classification Sherloc (09022015). Collection method: clinical testing. Allele origin: germline.

Ambry Genetics
Classification: Likely benign for Hereditary cancer-predisposing syndrome. Last evaluated: 2020-10-13. Review status: criteria provided, single submitter. Criteria: Ambry Variant Classification Scheme 2023. Collection method: clinical testing. Allele origin: germline.

Brotman Baty Institute, University of Washington
No classification provided (evidence only). Condition: Breast-ovarian cancer, familial 1. Review status: no classification provided. Collection method: in vitro. Allele origin: not applicable. Functional consequence: functionally_normal. Not counted in ClinVar's aggregate classification.
ClinVar note: "not provided" was previously submitted as the classification for the variant. However, the classification appeared to be based only on an observation of functional data so it was converted to no classification on 2025-07-30.

Department of Pathology and Laboratory Medicine, Sinai Health System
Classification: Likely benign for Malignant tumor of breast. Review status: no assertion criteria provided. Collection method: clinical testing. Allele origin: unknown. Affected: yes. Study: The Canadian Open Genetics Repository (COGR). Not counted in ClinVar's aggregate classification.
Comment: The p.Arg1751Arg variant is not expected to have clinical significance because it does not alter an amino acid residue and is not located near a splice junction. The variant was not identified in the literature or previously reported by our laboratory nor was it in the BIC, HGMD, LOVD or Cosmic databases. It was also not identified in dbSNP, the 1000 genomes project or exome variant server project. It was identified in the UMD database in two individuals as a 'likely neutral' variant. In summary, the clinical significance of this variant cannot be determined with certainty at this time although we would lean towards a more benign role for this variant. This variant is classified as predicted benign.

NM_007294.4(BRCA1):c.5251C>A (p.Arg1751=)

Gene: BRCA1 (BRCA1 DNA repair associated; minus strand). Cytogenetic location: 17q21.31.
Variant type: single nucleotide variant.
Coding change: c.5251C>A on transcript NM_007294.4 (MANE Select); coding-DNA position 5251, C replaced by A.
Protein change: p.Arg1751=; no amino-acid change (arginine 1751 retained).
Molecular consequence: synonymous variant.
Genome position (GRCh38, 1-based): chr17:43,057,078, G>T on the plus strand (C>A on the coding strand, the complement: BRCA1 is on the minus strand). VCF-style: chr17-43057078-G-T. GRCh37 (hg19) VCF-style: chr17-41209095-G-T.
Other names: c.5038C>A, p.Arg1680= (NM_001407571.1, NM_001407894.1, NM_001407895.1 and 12 more transcripts); c.5317C>A, p.Arg1773= (NM_001407581.1, NM_001407582.1); c.5314C>A, p.Arg1772= (NM_001407583.1, NM_001407585.1, NM_001407587.1 and 1 more transcripts); c.5311C>A, p.Arg1771= (NM_001407590.1, NM_001407591.1); c.5251C>A, p.Arg1751= (NM_001407593.1, NM_001407594.1, NM_001407596.1 and 7 more transcripts); c.5248C>A, p.Arg1750= (NM_001407610.1, NM_001407611.1, NM_001407612.1 and 17 more transcripts); c.5245C>A, p.Arg1749= (NM_001407627.1, NM_001407628.1, NM_001407629.1 and 14 more transcripts); c.5242C>A, p.Arg1748= (NM_001407644.1, NM_001407645.1); and 72 more.
Identifiers: ClinVar variation 433727 (VCV000433727.16), dbSNP rs80357123, ClinGen allele CA290823416.